The following is an entry in ClinVar:

ClinVar aggregate classification (germline): Pathogenic (1 of 4 stars; one submission).

Submission:

Labcorp Genetics (formerly Invitae), Labcorp
Classification: Pathogenic. Last evaluated: 2024-01-02. Review status: criteria provided, single submitter. Criteria: Invitae Variant Classification Sherloc (09022015). Collection method: clinical testing. Allele origin: germline.
Comment: This sequence change creates a premature translational stop signal (p.Arg812Lysfs*10) in the TRPM1 gene. It is expected to result in an absent or disrupted protein product. Loss-of-function variants in TRPM1 are known to be pathogenic (PMID: 19896113, 19966281, 20300565). This variant is not present in population databases (gnomAD no frequency). This variant has not been reported in the literature in individuals affected with TRPM1-related conditions. For these reasons, this variant has been classified as Pathogenic.

Literature cited by the submitters: PubMed 19896113; PubMed 19966281; PubMed 20300565.

NM_001252024.2(TRPM1):c.2501_2502del (p.Arg834fs)

Gene: TRPM1 (transient receptor potential cation channel subfamily M member 1; minus strand). Cytogenetic location: 15q13.3.
Variant type: Microsatellite.
Coding change: c.2501_2502del on transcript NM_001252024.2 (MANE Select); coding-DNA positions 2501 to 2502, 2 bases deleted (GA; older notation c.2501_2502delGA).
Protein change: p.Arg834fs; shifts the reading frame from arginine 834.
Molecular consequence: frameshift variant.
Genome position (GRCh38, 1-based): chr15:31,037,780-31,037,781, TC deleted on the plus strand (GA on the coding strand, the reverse complement: TRPM1 is on the minus strand); deleting any 2 consecutive bases within chr15:31,037,780-31,037,784 gives the same sequence; the c. name uses the placement nearest the transcript's 3' end. VCF-style (leftmost placement, unchanged base first): chr15-31037779-TTC-T. GRCh37 (hg19) VCF-style: chr15-31329982-TTC-T.
Other names: c.2552_2553del, p.Arg851fs (NM_001252020.2); c.2435_2436del, p.Arg812fs (NM_002420.6); short protein forms R812fs, R834fs, R851fs.
Identifiers: ClinVar variation 2706972 (VCV002706972.3), dbSNP rs2504098708, ClinGen allele CA2697554284.